The following is an entry in ClinVar:

ClinVar aggregate classification (germline): Uncertain significance (1 of 4 stars; one submission).

Allele frequency attached by ClinVar (database versions not stated): gnomAD exomes below 0.00001; TOPMed below 0.00001.
gnomAD v4.1: 3 of 1,613,336 alleles (0.00019%); highest among the groups gnomAD compares: Admixed American, 0.005%; no homozygotes.

Submission:

Labcorp Genetics (formerly Invitae), Labcorp
Classification: Uncertain significance. Last evaluated: 2022-07-12. Review status: criteria provided, single submitter. Criteria: Invitae Variant Classification Sherloc (09022015). Collection method: clinical testing. Allele origin: germline.
Comment: In summary, the available evidence is currently insufficient to determine the role of this variant in disease. Therefore, it has been classified as a Variant of Uncertain Significance. Algorithms developed to predict the effect of missense changes on protein structure and function are either unavailable or do not agree on the potential impact of this missense change (SIFT: "Deleterious"; PolyPhen-2: "Possibly Damaging"; Align-GVGD: "Class C0"). This variant has not been reported in the literature in individuals affected with C5-related conditions. This variant is present in population databases (no rsID available, gnomAD 0.006%). This sequence change replaces serine, which is neutral and polar, with cysteine, which is neutral and slightly polar, at codon 100 of the C5 protein (p.Ser100Cys).

NM_001735.3(C5):c.299C>G (p.Ser100Cys)

Gene: C5 (complement C5; minus strand). Cytogenetic location: 9q33.2.
Variant type: single nucleotide variant.
Coding change: c.299C>G on transcript NM_001735.3 (MANE Select); coding-DNA position 299, C replaced by G.
Protein change: p.Ser100Cys; replaces serine 100 with cysteine.
Molecular consequence: missense variant.
Genome position (GRCh38, 1-based): chr9:121,043,126, G>C on the plus strand (C>G on the coding strand, the complement: C5 is on the minus strand). VCF-style: chr9-121043126-G-C. GRCh37 (hg19) VCF-style: chr9-123805404-G-C.
Other names: c.317C>G, p.Ser106Cys (NM_001317163.2); c.299C>G, p.Ser100Cys (NM_001317164.2); short protein forms S106C, S100C.
Identifiers: ClinVar variation 2185071 (VCV002185071.4), dbSNP rs1458248752, ClinGen allele CA374730130.
Genomic context (GRCh38, chr9:121,043,126, plus strand): 5'-GTTATTGGCATTCTTTTTGATTTTGAAAAATGCTTTGATACAACTTCCAAATACACATAA[G>C]AAACTGGGTTTTGTCCTCCAGGCAATTGTTTTGGTTGTATCTGGAAAAGAAATTGTTGAT-3'
Protein context (NP_001726.2, residues 90-110): KQLPGGQNPV[Ser100Cys]YVYLEVVSKH